The following is an entry in ClinVar:

ClinVar aggregate classification (germline): Uncertain significance (1 of 4 stars; one submission).

Conditions:
Hereditary cancer-predisposing syndrome. Also called: Tumor predisposition; Neoplastic Syndromes, Hereditary; Hereditary Cancer Syndrome; Hereditary neoplastic syndrome. Identifiers: Orphanet 140162, MedGen C0027672, MeSH D009386, MONDO:0015356.

Submission:

Ambry Genetics
Classification: Uncertain significance for Hereditary cancer-predisposing syndrome. Last evaluated: 2024-08-09. Review status: criteria provided, single submitter. Criteria: Ambry Variant Classification Scheme 2023. Collection method: clinical testing. Allele origin: germline.
Comment: The p.E795V variant (also known as c.2384A>T), located in coding exon 16 of the BRIP1 gene, results from an A to T substitution at nucleotide position 2384. The glutamic acid at codon 795 is replaced by valine, an amino acid with dissimilar properties. This amino acid position is conserved. In addition, the in silico prediction for this alteration is inconclusive. Based on the available evidence, the clinical significance of this variant remains unclear.

NM_032043.3(BRIP1):c.2384A>T (p.Glu795Val)

Gene: BRIP1 (BRCA1 interacting DNA helicase 1; minus strand). Cytogenetic location: 17q23.2.
Variant type: single nucleotide variant.
Coding change: c.2384A>T on transcript NM_032043.3 (MANE Select); coding-DNA position 2384, A replaced by T.
Protein change: p.Glu795Val; replaces glutamic acid 795 with valine.
Molecular consequence: missense variant.
Genome position (GRCh38, 1-based): chr17:61,716,059, T>A on the plus strand (A>T on the coding strand, the complement: BRIP1 is on the minus strand). VCF-style: chr17-61716059-T-A. GRCh37 (hg19) VCF-style: chr17-59793420-T-A.
Other names: short protein forms E795V.
Identifiers: ClinVar variation 3482439 (VCV003482439.1).